The following is an entry in ClinVar:

NM_013339.4(ALG6):c.680G>A (p.Gly227Glu)

Gene: ALG6 (ALG6 alpha-1,3-glucosyltransferase; plus strand). Cytogenetic location: 1p31.3.
Variant type: single nucleotide variant.
Coding change: c.680G>A on transcript NM_013339.4 (MANE Select); coding-DNA position 680, G replaced by A.
Protein change: p.Gly227Glu; replaces glycine 227 with glutamic acid.
Molecular consequence: missense variant.
Genome position (GRCh38, 1-based): chr1:63,411,331, G>A. VCF-style: chr1-63411331-G-A. GRCh37 (hg19) VCF-style: chr1-63877002-G-A.
Other names: c.680G>A, p.Gly227Glu (LRG_1260t1); short protein forms G227E.
Identifiers: ClinVar variation 381535 (VCV000381535.25), dbSNP rs372079206, ClinGen allele CA888217.

ClinVar aggregate classification (germline): Pathogenic/Likely pathogenic. Review status: criteria provided, multiple submitters, no conflicts (2 of 4 stars). 7 submissions from 7 submitters: Pathogenic (4); Likely pathogenic (3). Last evaluated 2026-09-02.

Conditions:
ALG6-congenital disorder of glycosylation 1C (CDG1C). Also called: CDG Ic; Congenital disorder of glycosylation type 1C; CARBOHYDRATE-DEFICIENT GLYCOPROTEIN SYNDROME, TYPE I, WITH DEFICIENT GLYCOSYLATION OF DOLICHOL-LINKED OLIGOSACCHARIDE; CARBOHYDRATE-DEFICIENT GLYCOPROTEIN SYNDROME, TYPE V; Congenital disorder of glycosylation, type Ic. Identifiers: Orphanet 79320, MedGen C2930997, MONDO:0011291, OMIM 603147.

Allele frequency attached by ClinVar (database versions not stated): gnomAD 0.00001; gnomAD exomes 0.00001 and 0.00002; TOPMed 0.00001; ExAC 0.00003; ESP Exome Variant Server 0.00015.
gnomAD v4.1: 19 of 1,612,960 alleles (0.0012%); highest among the groups gnomAD compares: African/African-American, 0.0027%; no homozygotes.

Submissions (7):

Myriad Genetics, Inc.
Classification: Likely pathogenic for ALG6-congenital disorder of glycosylation 1C. Last evaluated: 2026-09-02. Review status: criteria provided, single submitter. Criteria: Myriad Autosomal Dominant, Autosomal Recessive and X-Linked Classification Criteria (2023). Collection method: clinical testing. Allele origin: unknown.
Comment: NM_013339.3(ALG6):c.680G>A(G227E) is a missense variant classified as likely pathogenic in the context of congenital disorder of glycosylation, ALG6-related. G227E has been observed in cases with relevant disease (PMID: 27287710, 36756224, 12357336). Relevant functional assessments of this variant are available in the literature (PMID: 25910212). G227E has been observed in referenced population frequency databases. In summary, NM_013339.3(ALG6):c.680G>A(G227E) is a missense variant that has been observed more frequently in cases with the relevant disease than in healthy populations. Please note: this variant was assessed in the context of healthy population screening.

Labcorp Genetics (formerly Invitae), Labcorp
Classification: Pathogenic for ALG6-congenital disorder of glycosylation 1C. Last evaluated: 2025-10-26. Review status: criteria provided, single submitter. Criteria: Invitae Variant Classification Sherloc (09022015). Collection method: clinical testing. Allele origin: germline.
Comment: This sequence change replaces glycine, which is neutral and non-polar, with glutamic acid, which is acidic and polar, at codon 227 of the ALG6 protein (p.Gly227Glu). This variant also falls at the last nucleotide of exon 8, which is part of the consensus splice site for this exon. This variant is present in population databases (rs372079206, gnomAD 0.01%). This missense change has been observed in individual(s) with ALG6-related congenital disorder of glycosylation (PMID: 23430515, 27287710). ClinVar contains an entry for this variant (Variation ID: 381535). Invitae Evidence Modeling of protein sequence and biophysical properties (such as structural, functional, and spatial information, amino acid conservation, physicochemical variation, residue mobility, and thermodynamic stability) indicates that this missense variant is expected to disrupt ALG6 protein function with a positive predictive value of 95%. Variants that disrupt the consensus splice site are a relatively common cause of aberrant splicing (PMID: 17576681, 9536098). For these reasons, this variant has been classified as Pathogenic.

Natera, Inc.
Classification: Pathogenic for Congenital disorder of glycosylation type 1c. Last evaluated: 2025-08-18. Review status: criteria provided, single submitter. Criteria: Natera Variant Classification Schema (03/2026). Collection method: clinical testing. Allele origin: germline.
Comment: The c.680G>A variant in ALG6 is a missense variant predicted to cause substitution of glycine to glutamic acid at amino acid 227. This variant is rare in the general population with a frequency below the threshold expected for the associated phenotype(s). This variant has been observed in one or more individuals affected with the associated recessive disease, as either homozygous or compound heterozygous with a second variant (PMID: 36756224, 23430515). Additionally, this variant has been observed to segregate in affected family members (PMID: 23430515). Computational prediction algorithms indicate this variant is likely to affect gene or protein function. Given the available evidence, this variant is classified as Pathogenic.

GeneDx
Classification: Likely pathogenic. Last evaluated: 2024-11-05. Review status: criteria provided, single submitter. Criteria: GeneDx Variant Classification Process June 2021. Collection method: clinical testing. Allele origin: germline. Affected: yes.
Comment: Not observed at significant frequency in large population cohorts (gnomAD); In silico analysis supports that this missense variant has a deleterious effect on protein structure/function; This variant is associated with the following publications: (PMID: 12357336, 23430515, 27287710, 36756224)

Fulgent Genetics
Classification: Likely pathogenic for ALG6-congenital disorder of glycosylation 1C. Last evaluated: 2024-06-10. Review status: criteria provided, single submitter. Criteria: ACMG Guidelines, 2015. Collection method: clinical testing. Allele origin: germline.

Women's Health and Genetics/Laboratory Corporation of America, LabCorp
Classification: Pathogenic for ALG6-congenital disorder of glycosylation 1C. Last evaluated: 2023-08-28. Review status: criteria provided, single submitter. Criteria: LabCorp Variant Classification Summary - May 2015. Collection method: clinical testing. Allele origin: germline.
Comment: Variant summary: ALG6 c.680G>A (p.Gly227Glu) results in a non-conservative amino acid change in the encoded protein sequence. Three of four in-silico tools predict a damaging effect of the variant on protein function. Several computational tools predict a significant impact on normal splicing: Three predict the variant weakens the canonical 5' donor site. However, these predictions have yet to be confirmed by functional studies. The variant allele was found at a frequency of 2.4e-05 in 249578 control chromosomes (gnomAD). c.680G>A has been reported in the literature in multiple individuals affected with ALG6-related congenital disorder of glycosylation (examples: Schollen_2002, Dercksen_2012, Morava_2016, Clark_2023). These data indicate that the variant is very likely to be associated with disease. To our knowledge, no experimental evidence demonstrating an impact on protein function has been reported. The following publications have been ascertained in the context of this evaluation (PMID: 36756224, 23430515, 27287710, 12357336). Four submitters have cited clinical-significance assessments for this variant to ClinVar after 2014 and classified the variant as VUS (n=1) and pathogenic/likely pathogenic (n=3). Based on the evidence outlined above, the variant was classified as pathogenic.

Baylor Genetics
Classification: Pathogenic for ALG6-congenital disorder of glycosylation 1C. Last evaluated: 2020-11-28. Review status: criteria provided, single submitter. Criteria: ACMG Guidelines, 2015. Collection method: clinical testing. Allele origin: unknown. Affected: yes.
Comment: This variant was determined to be pathogenic according to ACMG Guidelines, 2015 [PMID:25741868].

Literature cited by the submitters: PubMed 12357336 (cited by Myriad Genetics, Inc. and Women's Health and Genetics/Laboratory Corporation of America, LabCorp); PubMed 25910212 (cited by Myriad Genetics, Inc.); PubMed 27287710 (cited by 3 submitters); PubMed 36756224 (cited by 3 submitters); PubMed 23430515 (cited by 3 submitters); PubMed 17576681 (cited by Labcorp Genetics (formerly Invitae), Labcorp); PubMed 9536098 (cited by Labcorp Genetics (formerly Invitae), Labcorp).